The following is an entry in ClinVar:

ClinVar aggregate classification (germline): Pathogenic (1 of 4 stars; one submission).

Submission:

Labcorp Genetics (formerly Invitae), Labcorp
Classification: Pathogenic. Last evaluated: 2026-01-11. Review status: criteria provided, single submitter. Criteria: Invitae Variant Classification Sherloc (09022015). Collection method: clinical testing. Allele origin: germline.
Comment: This sequence change creates a premature translational stop signal (p.Gln223*) in the HPS4 gene. It is expected to result in an absent or disrupted protein product. Loss-of-function variants in HPS4 are known to be pathogenic (PMID: 12664304). This variant is not present in population databases (gnomAD no frequency). This variant has not been reported in the literature in individuals affected with HPS4-related conditions. ClinVar contains an entry for this variant (Variation ID: 3613725). Algorithms developed to predict the effect of sequence changes on RNA splicing suggest that this variant may disrupt the consensus splice site. For these reasons, this variant has been classified as Pathogenic.

Literature cited by the submitters: PubMed 12664304.

NM_022081.6(HPS4):c.667C>T (p.Gln223Ter)

Gene: HPS4 (HPS4 biogenesis of lysosomal organelles complex 3 subunit 2; minus strand). Cytogenetic location: 22q12.1.
Variant type: single nucleotide variant.
Coding change: c.667C>T on transcript NM_022081.6 (MANE Select); coding-DNA position 667, C replaced by T.
Protein change: p.Gln223Ter; replaces glutamine 223 with a stop codon.
Molecular consequence: nonsense. On other transcripts: non-coding transcript variant (8).
Genome position (GRCh38, 1-based): chr22:26,468,553, G>A on the plus strand (C>T on the coding strand, the complement: HPS4 is on the minus strand). VCF-style: chr22-26468553-G-A. GRCh37 (hg19) VCF-style: chr22-26864519-G-A.
Other names: c.667C>T, p.Gln223Ter (NM_001349896.1, NM_001349898.2, NM_001349899.2 and 7 more transcripts); c.652C>T, p.Gln218Ter (NM_152841.2); short protein forms Q218*, Q223*.
Identifiers: ClinVar variation 3613725 (VCV003613725.2).